The following is an entry in ClinVar:

ClinVar aggregate classification (germline): Likely benign. Review status: criteria provided, multiple submitters, no conflicts (2 of 4 stars). 3 submissions from 3 submitters: Likely benign (3). Last evaluated 2025-07-09.

Conditions:
TTN-related disorder. Also called: TTN-related disorders; TTN-related condition; TTN-related disease.
Dilated cardiomyopathy 1G (CMD1G). Identifiers: Orphanet 154, MedGen C1858763, MONDO:0011400, OMIM 604145.
Autosomal recessive limb-girdle muscular dystrophy type 2J (LGMDR10). Also called: Limb-girdle muscular dystrophy, type 2J; MUSCULAR DYSTROPHY, LIMB-GIRDLE, AUTOSOMAL RECESSIVE 10. Identifiers: Orphanet 140922, MedGen C1837342, MONDO:0012127, OMIM 608807.
Cardiovascular phenotype. Identifiers: MedGen CN230736.

Allele frequency attached by ClinVar (database versions not stated): gnomAD 0.00001.
gnomAD v4.1: 3 of 1,613,270 alleles (0.00019%); highest among the groups gnomAD compares: Non-Finnish European, 0.00025%; no homozygotes.

Submissions (3):

Ambry Genetics
Classification: Likely benign for Cardiovascular phenotype. Last evaluated: 2025-07-09. Review status: criteria provided, single submitter. Criteria: Ambry Variant Classification Scheme 2023. Collection method: clinical testing. Allele origin: germline.

PreventionGenetics, part of Exact Sciences
Classification: Likely benign for TTN-related condition. Last evaluated: 2025-06-29. Review status: criteria provided, single submitter. Criteria: ACMG Guidelines, 2015. Collection method: clinical testing. Allele origin: germline.
Comment: This variant is classified as likely benign based on ACMG/AMP sequence variant interpretation guidelines (Richards et al. 2015 PMID: 25741868, with internal and published modifications).

Labcorp Genetics (formerly Invitae), Labcorp
Classification: Likely benign for Dilated cardiomyopathy 1G; Autosomal recessive limb-girdle muscular dystrophy type 2J. Last evaluated: 2024-02-18. Review status: criteria provided, single submitter. Criteria: Invitae Variant Classification Sherloc (09022015). Collection method: clinical testing. Allele origin: germline.

NM_001267550.2(TTN):c.69474C>G (p.Val23158=)

Genes: TTN (titin; minus strand), TTN-AS1 (TTN antisense RNA 1; plus strand). Cytogenetic location: 2q31.2.
Variant type: single nucleotide variant.
Coding change: c.69474C>G on transcript NM_001267550.2 (MANE Select); coding-DNA position 69474, C replaced by G.
Protein change: p.Val23158=; no amino-acid change (valine 23158 retained).
Molecular consequence: synonymous variant.
Genome position (GRCh38, 1-based): chr2:178,576,770, G>C on the plus strand (C>G on the coding strand, the complement: TTN is on the minus strand). VCF-style: chr2-178576770-G-C. GRCh37 (hg19) VCF-style: chr2-179441497-G-C.
Other names: c.64551C>G, p.Val21517= (NM_001256850.1); c.42279C>G, p.Val14093= (NM_003319.4); c.61770C>G, p.Val20590= (NM_133378.4); c.42654C>G, p.Val14218= (NM_133432.3); c.42855C>G, p.Val14285= (NM_133437.4).
Identifiers: ClinVar variation 750124 (VCV000750124.11), dbSNP rs1290297669, ClinGen allele CA430258939.
Genomic context (GRCh38, chr2:178,576,770, plus strand): 5'-CCTTTCTACATGATATCCTGTAATTTCGCTGCCACCATCATCCACTGGCCTTTTCCAGCT[G>C]ACAGTGGCAGTGTTCTTAGTGACATTTGATACCTCTGGTTTTTCAGGAGGGCCAGGGGGA-3'
Protein context (NP_001254479.2, residues 23148-23168): VSNVTKNTAT[Val23158=]SWKRPVDDGG